The following is an entry in ClinVar:

NM_004082.5(DCTN1):c.2969G>A (p.Arg990His)

Gene: DCTN1 (dynactin subunit 1; minus strand). Cytogenetic location: 2p13.1.
Variant type: single nucleotide variant.
Coding change: c.2969G>A on transcript NM_004082.5 (MANE Select); coding-DNA position 2969, G replaced by A.
Protein change: p.Arg990His; replaces arginine 990 with histidine.
Molecular consequence: missense variant. On other transcripts: non-coding transcript variant (1).
Genome position (GRCh38, 1-based): chr2:74,365,575, C>T on the plus strand (G>A on the coding strand, the complement: DCTN1 is on the minus strand). VCF-style: chr2-74365575-C-T. GRCh37 (hg19) VCF-style: chr2-74592702-C-T.
Other names: c.2909G>A, p.Arg970His (NM_001135040.3); c.2567G>A, p.Arg856His (NM_001135041.3, NM_023019.4); c.2858G>A, p.Arg953His (NM_001190836.2); c.2948G>A, p.Arg983His (NM_001190837.2); c.2918G>A, p.Arg973His (NM_001378991.1); c.2900G>A, p.Arg967His (NM_001378992.1); short protein forms R973H, R856H, R990H, R967H, R983H, R953H, R970H.
Identifiers: ClinVar variation 1399869 (VCV001399869.13), dbSNP rs369129714, ClinGen allele CA50474786.

ClinVar aggregate classification (germline): Uncertain significance. Review status: criteria provided, multiple submitters, no conflicts (2 of 4 stars). 4 submissions from 4 submitters: Uncertain significance (4). Last evaluated 2025-04-17.

Conditions:
Amyotrophic lateral sclerosis type 1 (ALS1). Also called: AMYOTROPHIC LATERAL SCLEROSIS 1, FAMILIAL. Identifiers: Orphanet 803, MedGen C1862939, MONDO:0007103, OMIM 105400.
Perry syndrome. Also called: PARKINSONISM WITH ALVEOLAR HYPOVENTILATION AND MENTAL DEPRESSION. Identifiers: Orphanet 178509, MedGen C1868594, MONDO:0008201, OMIM 168605.
Neuronopathy, distal hereditary motor, type 7B. Also called: NEURONOPATHY, DISTAL HEREDITARY MOTOR, AUTOSOMAL DOMINANT 14; NEURONOPATHY, DISTAL HEREDITARY MOTOR, HARDING TYPE VIIB; NEUROPATHY, DISTAL HEREDITARY MOTOR, HARDING TYPE VIIB; NEUROPATHY, DISTAL HEREDITARY MOTOR, WITH VOCAL CORD PARALYSIS, HARDING TYPE VIIB; Distal Hereditary Motor Neuronopathy Type 7B (dHMN7B); HMN VIIB. Identifiers: Orphanet 139589, MedGen C1843315, MONDO:0011879, OMIM 607641.
Inborn genetic diseases. Identifiers: MedGen C0950123, MeSH D030342.

Allele frequency attached by ClinVar (database versions not stated): gnomAD exomes below 0.00001; TOPMed below 0.00001; gnomAD 0.00001; ESP Exome Variant Server 0.00008.

Submissions (4):

Labcorp Genetics (formerly Invitae), Labcorp
Classification: Uncertain significance for Amyotrophic lateral sclerosis type 1; Neuronopathy, distal hereditary motor, type 7B; Perry syndrome. Last evaluated: 2025-04-17. Review status: criteria provided, single submitter. Criteria: Invitae Variant Classification Sherloc (09022015). Collection method: clinical testing. Allele origin: germline.
Comment: This sequence change replaces arginine, which is basic and polar, with histidine, which is basic and polar, at codon 990 of the DCTN1 protein (p.Arg990His). This variant is present in population databases (rs369129714, gnomAD 0.0009%). This variant has not been reported in the literature in individuals affected with DCTN1-related conditions. ClinVar contains an entry for this variant (Variation ID: 1399869). Invitae Evidence Modeling of protein sequence and biophysical properties (such as structural, functional, and spatial information, amino acid conservation, physicochemical variation, residue mobility, and thermodynamic stability) has been performed for this missense variant. However, the output from this modeling did not meet the statistical confidence thresholds required to predict the impact of this variant on DCTN1 protein function. In summary, the available evidence is currently insufficient to determine the role of this variant in disease. Therefore, it has been classified as a Variant of Uncertain Significance.

GeneDx
Classification: Uncertain significance. Last evaluated: 2024-05-17. Review status: criteria provided, single submitter. Criteria: GeneDx Variant Classification Process June 2021. Collection method: clinical testing. Allele origin: germline. Affected: yes.
Comment: Not observed at significant frequency in large population cohorts (gnomAD); In silico analysis indicates that this missense variant does not alter protein structure/function; Has not been previously published as pathogenic or benign to our knowledge

Ambry Genetics
Classification: Uncertain significance for Inborn genetic diseases. Last evaluated: 2021-11-07. Review status: criteria provided, single submitter. Criteria: Ambry Variant Classification Scheme 2023. Collection method: clinical testing. Allele origin: germline.
Comment: The p.R990H variant (also known as c.2969G>A), located in coding exon 25 of the DCTN1 gene, results from a G to A substitution at nucleotide position 2969. The arginine at codon 990 is replaced by histidine, an amino acid with highly similar properties. This amino acid position is conserved. In addition, the in silico prediction for this alteration is inconclusive. Since supporting evidence is limited at this time, the clinical significance of this alteration remains unclear.

Revvity Omics, Revvity
Classification: Uncertain significance. Last evaluated: 2020-12-19. Review status: criteria provided, single submitter. Criteria: ACMG Guidelines, 2015. Collection method: clinical testing. Allele origin: germline.